The following is an entry in ClinVar:

NM_006361.6(HOXB13):c.784A>G (p.Ile262Val)

Gene: HOXB13 (homeobox B13; minus strand). Cytogenetic location: 17q21.32.
Variant type: single nucleotide variant.
Coding change: c.784A>G on transcript NM_006361.6 (MANE Select); coding-DNA position 784, A replaced by G.
Protein change: p.Ile262Val; replaces isoleucine 262 with valine.
Molecular consequence: missense variant.
Genome position (GRCh38, 1-based): chr17:48,726,861, T>C on the plus strand (A>G on the coding strand, the complement: HOXB13 is on the minus strand). VCF-style: chr17-48726861-T-C. GRCh37 (hg19) VCF-style: chr17-46804223-T-C.
Other names: c.784A>G (NM_006361.5); short protein forms I262V.
Identifiers: ClinVar variation 1064220 (VCV001064220.10), dbSNP rs1207429780, ClinGen allele CA400105765.

ClinVar aggregate classification (germline): Uncertain significance. Review status: criteria provided, multiple submitters, no conflicts (2 of 4 stars). 2 submissions from 2 submitters: Uncertain significance (2). Last evaluated 2025-11-04.

Conditions:
Hereditary cancer-predisposing syndrome. Also called: Hereditary Cancer Syndrome; Hereditary neoplastic syndrome; Neoplastic Syndromes, Hereditary; Tumor predisposition. Identifiers: Orphanet 140162, MedGen C0027672, MeSH D009386, MONDO:0015356.

Allele frequency attached by ClinVar (database versions not stated): gnomAD exomes below 0.00001.
gnomAD v4.1: 1 of 1,614,110 alleles (0.000062%); highest among the groups gnomAD compares: East Asian, 0.0022%; no homozygotes.

Submissions (2):

Ambry Genetics
Classification: Uncertain significance for Hereditary cancer-predisposing syndrome. Last evaluated: 2025-11-04. Review status: criteria provided, single submitter. Criteria: Ambry Variant Classification Scheme 2023. Collection method: clinical testing. Allele origin: germline.
Comment: The p.I262V variant (also known as c.784A>G), located in coding exon 2 of the HOXB13 gene, results from an A to G substitution at nucleotide position 784. The isoleucine at codon 262 is replaced by valine, an amino acid with highly similar properties. This amino acid position is conserved. In addition, this alteration is predicted to be deleterious by in silico analysis. Based on the available evidence, the clinical significance of this variant remains unclear.

Labcorp Genetics (formerly Invitae), Labcorp
Classification: Uncertain significance. Last evaluated: 2023-10-22. Review status: criteria provided, single submitter. Criteria: Invitae Variant Classification Sherloc (09022015). Collection method: clinical testing. Allele origin: germline.
Comment: This sequence change replaces isoleucine, which is neutral and non-polar, with valine, which is neutral and non-polar, at codon 262 of the HOXB13 protein (p.Ile262Val). This variant is present in population databases (no rsID available, gnomAD 0.006%). This variant has not been reported in the literature in individuals affected with HOXB13-related conditions. ClinVar contains an entry for this variant (Variation ID: 1064220). Advanced modeling of protein sequence and biophysical properties (such as structural, functional, and spatial information, amino acid conservation, physicochemical variation, residue mobility, and thermodynamic stability) performed at Invitae indicates that this missense variant is not expected to disrupt HOXB13 protein function. In summary, the available evidence is currently insufficient to determine the role of this variant in disease. Therefore, it has been classified as a Variant of Uncertain Significance.